The following is an entry in ClinVar:

NM_001048174.2(MUTYH):c.899A>T (p.Asp300Val)

Gene: MUTYH (mutY DNA glycosylase; minus strand). Cytogenetic location: 1p34.1.
Variant type: single nucleotide variant.
Coding change: c.899A>T on transcript NM_001048174.2 (MANE Select); coding-DNA position 899, A replaced by T.
Protein change: p.Asp300Val; replaces aspartic acid 300 with valine.
Molecular consequence: missense variant. On other transcripts: non-coding transcript variant (7).
Genome position (GRCh38, 1-based): chr1:45,332,037, T>A on the plus strand (A>T on the coding strand, the complement: MUTYH is on the minus strand). VCF-style: chr1-45332037-T-A. GRCh37 (hg19) VCF-style: chr1-45797709-T-A.
Other names: c.983A>T, p.Asp328Val (NM_001128425.2); c.944A>T, p.Asp315Val (NM_001293190.2); c.932A>T, p.Asp311Val (NM_001293191.2, NM_001407069.1, NM_001407077.1); c.623A>T, p.Asp208Val (NM_001293192.2, NM_001293196.2, NM_001407091.1); c.899A>T, p.Asp300Val (NM_001293195.2, NM_001407081.1, NM_001407088.1 and 6 more transcripts); c.554A>T, p.Asp185Val (NM_001350650.2, NM_001350651.2, NM_001407082.1); c.941A>T, p.Asp314Val (NM_001407083.1, NM_001407085.1); c.902A>T, p.Asp301Val (NM_001407086.1, NM_001048172.2, NM_001407071.1 and 1 more transcripts); and 5 more; short protein forms D208V, D287V, D314V, D328V, D286V, D301V, D307V, D185V.
Identifiers: ClinVar variation 4113987 (VCV004113987.1).

ClinVar aggregate classification (germline): Uncertain significance (1 of 4 stars; one submission).

Conditions:
Hereditary cancer-predisposing syndrome. Also called: Hereditary neoplastic syndrome; Neoplastic Syndromes, Hereditary; Tumor predisposition; Hereditary Cancer Syndrome. Identifiers: Orphanet 140162, MedGen C0027672, MeSH D009386, MONDO:0015356.

Submission:

Ambry Genetics
Classification: Uncertain significance for Hereditary cancer-predisposing syndrome. Last evaluated: 2025-08-27. Review status: criteria provided, single submitter. Criteria: Ambry Variant Classification Scheme 2023. Collection method: clinical testing. Allele origin: germline.
Comment: The p.D328V variant (also known as c.983A>T), located in coding exon 11 of the MUTYH gene, results from an A to T substitution at nucleotide position 983. The aspartic acid at codon 328 is replaced by valine, an amino acid with highly dissimilar properties. This amino acid position is conserved. In addition, this alteration is predicted to be tolerated by in silico analysis. Based on the available evidence, the clinical significance of this variant remains unclear.